The following is an entry in ClinVar:

ClinVar aggregate classification (germline): Uncertain significance. Review status: criteria provided, multiple submitters, no conflicts (2 of 4 stars). 2 submissions from 2 submitters: Uncertain significance (2). Last evaluated 2024-11-19.

Conditions:
Hypertrophic cardiomyopathy 26. Also called: Cardiomyopathy, familial hypertrophic, 26. Identifiers: Orphanet 75249, MedGen C4310749, MONDO:0014883, OMIM 617047.
Myofibrillar myopathy 5. Also called: Filaminopathy (type); FILAMINOPATHY, AUTOSOMAL DOMINANT. Identifiers: Orphanet 171445, MedGen C1836050, MONDO:0012289, OMIM 609524.
Distal myopathy with posterior leg and anterior hand involvement. Also called: WILLIAMS DISTAL MYOPATHY. Identifiers: Orphanet 63273, MedGen C3279722, MONDO:0013550, OMIM 614065.

Submissions (2):

Labcorp Genetics (formerly Invitae), Labcorp
Classification: Uncertain significance for Distal myopathy with posterior leg and anterior hand involvement; Myofibrillar myopathy 5; Hypertrophic cardiomyopathy 26. Last evaluated: 2024-11-19. Review status: criteria provided, single submitter. Criteria: Invitae Variant Classification Sherloc (09022015). Collection method: clinical testing. Allele origin: germline.
Comment: This sequence change replaces glycine, which is neutral and non-polar, with alanine, which is neutral and non-polar, at codon 1424 of the FLNC protein (p.Gly1424Ala). This variant is not present in population databases (gnomAD no frequency). This variant has not been reported in the literature in individuals affected with FLNC-related conditions. Invitae Evidence Modeling of protein sequence and biophysical properties (such as structural, functional, and spatial information, amino acid conservation, physicochemical variation, residue mobility, and thermodynamic stability) has been performed for this missense variant. However, the output from this modeling did not meet the statistical confidence thresholds required to predict the impact of this variant on FLNC protein function. In summary, the available evidence is currently insufficient to determine the role of this variant in disease. Therefore, it has been classified as a Variant of Uncertain Significance.

Blueprint Genetics
Classification: Uncertain significance. Last evaluated: 2022-01-17. Review status: criteria provided, single submitter. Criteria: ACMG Guidelines, 2015. Collection method: clinical testing. Allele origin: germline.

NM_001458.5(FLNC):c.4271G>C (p.Gly1424Ala)

Gene: FLNC (filamin C; plus strand). Cytogenetic location: 7q32.1.
Variant type: single nucleotide variant.
Coding change: c.4271G>C on transcript NM_001458.5 (MANE Select); coding-DNA position 4271, G replaced by C.
Protein change: p.Gly1424Ala; replaces glycine 1424 with alanine.
Molecular consequence: missense variant.
Genome position (GRCh38, 1-based): chr7:128,846,888, G>C. VCF-style: chr7-128846888-G-C. GRCh37 (hg19) VCF-style: chr7-128486942-G-C.
Other names: c.4271G>C, p.Gly1424Ala (NM_001127487.2); short protein forms G1424A.
Identifiers: ClinVar variation 3762318 (VCV003762318.3).
Genomic context (GRCh38, chr7:128,846,888, plus strand): 5'-GCTGCACCGTGGAGTACATCCCCTTCACTCCTGGAGACTATGACGTCAACATCACCTTCG[G>C]GGGGCGGCCCATCCCAGGTGTGCAGAGAGAGTGGTCGGGGTCTCAGGGAAGACAAGGGAG-3'
Protein context (NP_001449.3, residues 1414-1434): PGDYDVNITF[Gly1424Ala]GRPIPGSPFR